The following is an entry in ClinVar:

NM_020831.6(MRTFA):c.2716G>A (p.Gly906Ser)

Gene: MRTFA (myocardin related transcription factor A; minus strand). Cytogenetic location: 22q13.1.
Variant type: single nucleotide variant.
Coding change: c.2716G>A on transcript NM_020831.6 (MANE Select); coding-DNA position 2716, G replaced by A.
Protein change: p.Gly906Ser; replaces glycine 906 with serine.
Molecular consequence: missense variant. On other transcripts: 3 prime UTR variant (1).
Genome position (GRCh38, 1-based): chr22:40,411,770, C>T on the plus strand (G>A on the coding strand, the complement: MRTFA is on the minus strand). VCF-style: chr22-40411770-C-T. GRCh37 (hg19) VCF-style: chr22-40807774-C-T.
Other names: c.2416G>A, p.Gly806Ser (NM_001282660.2); c.2566G>A, p.Gly856Ser (NM_001282661.3); c.*29G>A (NM_001282662.3); c.2521G>A, p.Gly841Ser (NM_001318139.2); short protein forms G806S, G841S, G856S, G906S.
Identifiers: ClinVar variation 2851863 (VCV002851863.3), dbSNP rs2517787286, ClinGen allele CA411653816.

ClinVar aggregate classification (germline): Uncertain significance (1 of 4 stars; one submission).

Submission:

Labcorp Genetics (formerly Invitae), Labcorp
Classification: Uncertain significance. Last evaluated: 2023-04-03. Review status: criteria provided, single submitter. Criteria: Invitae Variant Classification Sherloc (09022015). Collection method: clinical testing. Allele origin: germline.
Comment: This sequence change replaces glycine, which is neutral and non-polar, with serine, which is neutral and polar, at codon 806 of the MKL1 protein (p.Gly806Ser). This variant is not present in population databases (gnomAD no frequency). This variant has not been reported in the literature in individuals affected with MKL1-related conditions. Algorithms developed to predict the effect of missense changes on protein structure and function output the following: SIFT: "Not Available"; PolyPhen-2: "Benign"; Align-GVGD: "Not Available". The serine amino acid residue is found in multiple mammalian species, which suggests that this missense change does not adversely affect protein function. In summary, the available evidence is currently insufficient to determine the role of this variant in disease. Therefore, it has been classified as a Variant of Uncertain Significance.